The following is an entry in ClinVar:

ClinVar aggregate classification (germline): Uncertain significance (1 of 4 stars; one submission).

Conditions:
Schimke immuno-osseous dysplasia (SIOD). Also called: Schimke Immunoosseous Dysplasia. Identifiers: Orphanet 1830, MedGen C0877024, MONDO:0009458, OMIM 242900.

gnomAD v4.1: 1 of 1,613,996 alleles (0.000062%); highest among the groups gnomAD compares: Non-Finnish European, 0.000085%; no homozygotes.

Submission:

Labcorp Genetics (formerly Invitae), Labcorp
Classification: Uncertain significance for Schimke immuno-osseous dysplasia. Last evaluated: 2023-08-30. Review status: criteria provided, single submitter. Criteria: Invitae Variant Classification Sherloc (09022015). Collection method: clinical testing. Allele origin: germline.
Comment: In summary, the available evidence is currently insufficient to determine the role of this variant in disease. Therefore, it has been classified as a Variant of Uncertain Significance. This sequence change replaces valine, which is neutral and non-polar, with methionine, which is neutral and non-polar, at codon 575 of the SMARCAL1 protein (p.Val575Met). This variant is not present in population databases (gnomAD no frequency). This variant has not been reported in the literature in individuals affected with SMARCAL1-related conditions. ClinVar contains an entry for this variant (Variation ID: 1395517). Advanced modeling of protein sequence and biophysical properties (such as structural, functional, and spatial information, amino acid conservation, physicochemical variation, residue mobility, and thermodynamic stability) performed at Invitae indicates that this missense variant is expected to disrupt SMARCAL1 protein function.

NM_014140.4(SMARCAL1):c.1723G>A (p.Val575Met)

Gene: SMARCAL1 (SNF2 related chromatin remodeling annealing helicase 1; plus strand). Cytogenetic location: 2q35.
Variant type: single nucleotide variant.
Coding change: c.1723G>A on transcript NM_014140.4 (MANE Select); coding-DNA position 1723, G replaced by A.
Protein change: p.Val575Met; replaces valine 575 with methionine.
Molecular consequence: missense variant.
Genome position (GRCh38, 1-based): chr2:216,447,030, G>A. VCF-style: chr2-216447030-G-A. GRCh37 (hg19) VCF-style: chr2-217311753-G-A.
Other names: c.1723G>A, p.Val575Met (NM_001127207.2); short protein forms V575M.
Identifiers: ClinVar variation 1395517 (VCV001395517.6), dbSNP rs2106050197, ClinGen allele CA350501614.